The following is an entry in ClinVar:

NM_152564.5(VPS13B):c.1018_1045del (p.Glu340fs)

Gene: VPS13B (vacuolar protein sorting 13 homolog B; plus strand). Cytogenetic location: 8q22.2.
Variant type: Deletion.
Coding change: c.1018_1045del on transcript NM_152564.5 (MANE Select); coding-DNA positions 1018 to 1045, 28 bases deleted (GAGCAGCCACAGGGATGGGTGTCATGGG).
Protein change: p.Glu340fs; shifts the reading frame from glutamic acid 340.
Molecular consequence: frameshift variant. On other transcripts: non-coding transcript variant (1).
Genome position (GRCh38, 1-based): chr8:99,121,257-99,121,284, GAGCAGCCACAGGGATGGGTGTCATGGG deleted; deleting any 28 consecutive bases within chr8:99,121,256-99,121,284 gives the same sequence; the c. name uses the placement nearest the transcript's 3' end. VCF-style (leftmost placement, unchanged base first): chr8-99121255-AGGAGCAGCCACAGGGATGGGTGTCATGG-A. GRCh37 (hg19) VCF-style: chr8-100133483-AGGAGCAGCCACAGGGATGGGTGTCATGG-A.
Other names: c.1018_1045del28, p.Glu340Profs (NM_017890.4); c.1018_1045del, p.Glu340fs (NM_017890.5, NM_181661.3, NM_015243.3); c.1018_1045del (NM_017890.4); c.1018_1045delGAGCAGCCACAGGGATGGGTGTCATGGG (NM_017890.4); short protein forms E340fs.
Identifiers: ClinVar variation 3594982 (VCV003594982.3).
Genomic context (GRCh38, chr8:99,121,255, plus strand): 5'-GAATAGATATGCAATATCCTGCTCAGCATAAAGGTCAAGAGTTATATTCACAGCAAGATG[AGGAGCAGCCACAGGGATGGGTGTCATGG>A]GCCTGGTCCTTTGTGCCTGCAATTGTGAGTTATGACGATGGCGAGGAAGACTTTGTTGGG-3'

ClinVar aggregate classification (germline): Likely pathogenic. Review status: criteria provided, multiple submitters, no conflicts (2 of 4 stars). 3 submissions from 3 submitters: Likely pathogenic (3). Last evaluated 2026-01-19.

Conditions:
Cohen syndrome (COH1). Also called: Cutis verticis gyrata, retinitis pigmentosa, and sensorineural deafness; PEPPER SYNDROME. Identifiers: Orphanet 193, MedGen C0265223, MONDO:0008999, OMIM 216550.

Submissions (3):

3billion
Classification: Likely pathogenic for Cohen syndrome. Last evaluated: 2026-01-19. Review status: criteria provided, single submitter. Criteria: ACMG Guidelines, 2015. Collection method: clinical testing. Allele origin: germline. Affected: yes.
Comment: The variant is observed at an extremely low frequency in the gnomAD v4.1.0 dataset (total allele frequency: <0.001%). Predicted Consequence/Location: Frameshift: predicted to result in a loss or disruption of normal protein function through nonsense-mediated decay (NMD) or protein truncation. Multiple pathogenic variants are reported downstream of the variant. The variant has been reported to be associated with VPS13B-related disorder (ClinVar ID: VCV003594982). Therefore, this variant is classified as Likely pathogenic according to the recommendation of ACMG/AMP guideline.

Fulgent Genetics
Classification: Likely pathogenic for Cohen syndrome. Last evaluated: 2024-06-05. Review status: criteria provided, single submitter. Criteria: ACMG Guidelines, 2015. Collection method: clinical testing. Allele origin: germline.

Natera, Inc.
Classification: Likely pathogenic for Cohen syndrome. Last evaluated: 2024-04-14. Review status: criteria provided, single submitter. Criteria: Natera Variant Classification Schema (03/2026). Collection method: clinical testing. Allele origin: germline.
Comment: The c.1018_1045delGAGCAGCCACAGGGATGGGTGTCATGGG variant in VPS13B is a frameshift variant predicted to shift the reading frame beginning at codon 340 and leads to a stop codon 9 codons downstream. This variant is expected to result in nonsense mediated decay, truncation, or a dysfunctional protein product. This variant is rare in the general population with a frequency below the threshold expected for the associated phenotype(s). Given the available evidence, this variant is classified as Likely Pathogenic.